The following is an entry in ClinVar:

ClinVar aggregate classification (germline): Uncertain significance (1 of 4 stars; one submission).

Conditions:
POLD1-related polyposis and colorectal cancer syndrome (CRCS10). Also called: Colorectal cancer 10; COLORECTAL CANCER, SUSCEPTIBILITY TO, ON CHROMOSOME 19q; Colorectal cancer, susceptibility to, 10. Identifiers: Orphanet 220460, MedGen C2675481, MONDO:0012953, OMIM 612591.

Submission:

Labcorp Genetics (formerly Invitae), Labcorp
Classification: Uncertain significance for POLD1-related polyposis and colorectal cancer syndrome. Last evaluated: 2020-11-25. Review status: criteria provided, single submitter. Criteria: Invitae Variant Classification Sherloc (09022015). Collection method: clinical testing. Allele origin: germline.
Comment: This variant has not been reported in the literature in individuals with POLD1-related conditions. This variant is not present in population databases (ExAC no frequency). This sequence change replaces tyrosine with cysteine at codon 894 of the POLD1 protein (p.Tyr894Cys). The tyrosine residue is highly conserved and there is a large physicochemical difference between tyrosine and cysteine. In summary, the available evidence is currently insufficient to determine the role of this variant in disease. Therefore, it has been classified as a Variant of Uncertain Significance. Algorithms developed to predict the effect of missense changes on protein structure and function are either unavailable or do not agree on the potential impact of this missense change (SIFT: "Deleterious"; PolyPhen-2: "Probably Damaging"; Align-GVGD: "Class C0").

NM_002691.4(POLD1):c.2681A>G (p.Tyr894Cys)

Gene: POLD1 (DNA polymerase delta 1, catalytic subunit; plus strand). Cytogenetic location: 19q13.33.
Variant type: single nucleotide variant.
Coding change: c.2681A>G on transcript NM_002691.4 (MANE Select); coding-DNA position 2681, A replaced by G.
Protein change: p.Tyr894Cys; replaces tyrosine 894 with cysteine.
Molecular consequence: missense variant. On other transcripts: non-coding transcript variant (1).
Genome position (GRCh38, 1-based): chr19:50,415,554, A>G. VCF-style: chr19-50415554-A-G. GRCh37 (hg19) VCF-style: chr19-50918811-A-G.
Other names: c.2681A>G, p.Tyr894Cys (NM_001256849.1); c.2759A>G, p.Tyr920Cys (NM_001308632.1); short protein forms Y894C, Y920C.
Identifiers: ClinVar variation 1503333 (VCV001503333.8), dbSNP rs2122476706, ClinGen allele CA406985615.